The following is an entry in ClinVar:

NM_004168.4(SDHA):c.818C>A (p.Thr273Asn)

Gene: SDHA (succinate dehydrogenase complex flavoprotein subunit A; plus strand). Cytogenetic location: 5p15.33.
Variant type: single nucleotide variant.
Coding change: c.818C>A on transcript NM_004168.4 (MANE Select); coding-DNA position 818, C replaced by A.
Protein change: p.Thr273Asn; replaces threonine 273 with asparagine.
Molecular consequence: missense variant.
Genome position (GRCh38, 1-based): chr5:230,923, C>A. VCF-style: chr5-230923-C-A. GRCh37 (hg19) VCF-style: chr5-231038-C-A.
Other names: c.674C>A, p.Thr225Asn (NM_001294332.2); c.818C>A, p.Thr273Asn (NM_001330758.2); short protein forms T225N, T273N.
Identifiers: ClinVar variation 3438677 (VCV003438677.2).
Genomic context (GRCh38, chr5:230,923, plus strand): 5'-CTATTGTTTCCAGAGGCTACGGGCGCACCTACTTCAGCTGCACGTCTGCCCACACCAGCA[C>A]TGGCGACGGCACGGCCATGATCACCAGGGCAGGCCTTCCTTGCCAGGACCTAGAGTTTGT-3'
Protein context (NP_004159.2, residues 263-283): YFSCTSAHTS[Thr273Asn]GDGTAMITRA

ClinVar aggregate classification (germline): Uncertain significance. Review status: criteria provided, multiple submitters, no conflicts (2 of 4 stars). 2 submissions from 2 submitters: Uncertain significance (2). Last evaluated 2025-03-26.

Conditions:
Mitochondrial complex II deficiency, nuclear type 1. Also called: SUCCINATE CoQ REDUCTASE DEFICIENCY. Identifiers: Orphanet 3208, MedGen C5700310, MONDO:0100294, OMIM 252011.
Pheochromocytoma/paraganglioma syndrome 5. Also called: Paragangliomas 5; SDHA-Related Hereditary Paraganglioma-Pheochromocytoma Syndrome. Identifiers: Orphanet 29072, MedGen C3279992, MONDO:0013602, OMIM 614165.
Hereditary cancer-predisposing syndrome. Also called: Neoplastic Syndromes, Hereditary; Tumor predisposition; Hereditary Cancer Syndrome; Hereditary neoplastic syndrome. Identifiers: Orphanet 140162, MedGen C0027672, MeSH D009386, MONDO:0015356.

Submissions (2):

Labcorp Genetics (formerly Invitae), Labcorp
Classification: Uncertain significance for Pheochromocytoma/paraganglioma syndrome 5; Mitochondrial complex II deficiency, nuclear type 1. Last evaluated: 2025-03-26. Review status: criteria provided, single submitter. Criteria: Invitae Variant Classification Sherloc (09022015). Collection method: clinical testing. Allele origin: germline.
Comment: This sequence change replaces threonine, which is neutral and polar, with asparagine, which is neutral and polar, at codon 273 of the SDHA protein (p.Thr273Asn). This variant is not present in population databases (gnomAD no frequency). This variant has not been reported in the literature in individuals affected with SDHA-related conditions. ClinVar contains an entry for this variant (Variation ID: 3438677). Invitae Evidence Modeling of protein sequence and biophysical properties (such as structural, functional, and spatial information, amino acid conservation, physicochemical variation, residue mobility, and thermodynamic stability) has been performed for this missense variant. However, the output from this modeling did not meet the statistical confidence thresholds required to predict the impact of this variant on SDHA protein function. This variant disrupts the p.Thr273 amino acid residue in SDHA. Other variant(s) that disrupt this residue have been determined to be pathogenic (PMID: 23109135, 27011036; internal data). This suggests that this residue is clinically significant, and that variants that disrupt this residue are likely to be disease-causing. In summary, the available evidence is currently insufficient to determine the role of this variant in disease. Therefore, it has been classified as a Variant of Uncertain Significance.

Ambry Genetics
Classification: Uncertain significance for Hereditary cancer-predisposing syndrome. Last evaluated: 2024-11-27. Review status: criteria provided, single submitter. Criteria: Ambry Variant Classification Scheme 2023. Collection method: clinical testing. Allele origin: germline.
Comment: The p.T273N variant (also known as c.818C>A), located in coding exon 7 of the SDHA gene, results from a C to A substitution at nucleotide position 818. The threonine at codon 273 is replaced by asparagine, an amino acid with similar properties. This amino acid position is highly conserved in available vertebrate species. In addition, the in silico prediction for this alteration is inconclusive. Based on the available evidence, the clinical significance of this variant remains unclear.

Literature cited by the submitters: PubMed 23109135 (cited by Labcorp Genetics (formerly Invitae), Labcorp); PubMed 27011036 (cited by Labcorp Genetics (formerly Invitae), Labcorp).